The following is an entry in ClinVar:

NM_000384.3(APOB):c.7867G>T (p.Asp2623Tyr)

Gene: APOB (apolipoprotein B; minus strand). Cytogenetic location: 2p24.1.
Variant type: single nucleotide variant.
Coding change: c.7867G>T on transcript NM_000384.3 (MANE Select); coding-DNA position 7867, G replaced by T.
Protein change: p.Asp2623Tyr; replaces aspartic acid 2623 with tyrosine.
Molecular consequence: missense variant.
Genome position (GRCh38, 1-based): chr2:21,009,001, C>A on the plus strand (G>T on the coding strand, the complement: APOB is on the minus strand). VCF-style: chr2-21009001-C-A. GRCh37 (hg19) VCF-style: chr2-21231873-C-A.
Other names: short protein forms D2623Y.
Identifiers: ClinVar variation 3416416 (VCV003416416.1).

ClinVar aggregate classification (germline): Uncertain significance (1 of 4 stars; one submission).

Conditions:
Cardiovascular phenotype. Identifiers: MedGen CN230736.

Submission:

Ambry Genetics
Classification: Uncertain significance for Cardiovascular phenotype. Last evaluated: 2024-11-27. Review status: criteria provided, single submitter. Criteria: Ambry Variant Classification Scheme 2023. Collection method: clinical testing. Allele origin: germline.
Comment: The p.D2623Y variant (also known as c.7867G>T), located in coding exon 26 of the APOB gene, results from a G to T substitution at nucleotide position 7867. The aspartic acid at codon 2623 is replaced by tyrosine, an amino acid with highly dissimilar properties. This amino acid position is conserved. In addition, the in silico prediction for this alteration is inconclusive. Based on the available evidence, the clinical significance of this variant remains unclear.